The following is an entry in ClinVar:

ClinVar aggregate classification (germline): Pathogenic/Likely pathogenic. Review status: criteria provided, multiple submitters, no conflicts (2 of 4 stars). 2 submissions from 2 submitters: Pathogenic (1); Likely pathogenic (1). Last evaluated 2023-11-20.

Submissions (2):

Labcorp Genetics (formerly Invitae), Labcorp
Classification: Pathogenic. Last evaluated: 2023-11-20. Review status: criteria provided, single submitter. Criteria: Invitae Variant Classification Sherloc (09022015). Collection method: clinical testing. Allele origin: germline.
Comment: This sequence change creates a premature translational stop signal (p.Val126*) in the CLCNKB gene. It is expected to result in an absent or disrupted protein product. Loss-of-function variants in CLCNKB are known to be pathogenic (PMID: 24830959, 26920127, 28381550, 29254190). This variant is not present in population databases (gnomAD no frequency). This variant has not been reported in the literature in individuals affected with CLCNKB-related conditions. ClinVar contains an entry for this variant (Variation ID: 992301). For these reasons, this variant has been classified as Pathogenic.

Greenwood Genetic Center Diagnostic Laboratories, Greenwood Genetic Center
Classification: Likely pathogenic. Last evaluated: 2020-08-19. Review status: criteria provided, single submitter. Criteria: ACMG Guidelines, 2015. Collection method: clinical testing. Allele origin: germline. Affected: yes.

Literature cited by the submitters: PubMed 24830959 (cited by Labcorp Genetics (formerly Invitae), Labcorp); PubMed 26920127 (cited by Labcorp Genetics (formerly Invitae), Labcorp); PubMed 28381550 (cited by Labcorp Genetics (formerly Invitae), Labcorp); PubMed 29254190 (cited by Labcorp Genetics (formerly Invitae), Labcorp).

NM_000085.5(CLCNKB):c.376del (p.Glu125_Val126insTer)

Genes: CLCNKB (chloride voltage-gated channel Kb; plus strand), LOC106501713 (CLCNKB recombination region; plus strand). Cytogenetic location: 1p36.13.
Variant type: Deletion.
Coding change: c.376del on transcript NM_000085.5 (MANE Select); coding-DNA position 376, one base deleted (G; older notation c.376delG).
Protein change: p.Glu125_Val126insTer.
Molecular consequence: nonsense.
Genome position (GRCh38, 1-based): chr1:16,047,922, G deleted; the last of 2 consecutive G bases (chr1:16,047,921-16,047,922); deleting either gives the same sequence. VCF-style (leftmost placement, unchanged base first): chr1-16047920-AG-A. GRCh37 (hg19) VCF-style: chr1-16374415-AG-A.
Identifiers: ClinVar variation 992301 (VCV000992301.6), dbSNP rs2023146719, ClinGen allele CA1139655991.